The following is an entry in ClinVar:

ClinVar aggregate classification (germline): Conflicting classifications of pathogenicity. Review status: criteria provided, conflicting classifications (1 of 4 stars). 5 submissions from 5 submitters: Uncertain significance (1); Likely benign (3). 1 of the submissions does not count toward it. Last evaluated 2025-04-17.

Conditions:
Hypogonadotropic hypogonadism 5 with or without anosmia (KAL5). Also called: HYPOGONADOTROPIC HYPOGONADISM 5 WITH ANOSMIA; HYPOGONADOTROPHIC HYPOGONADISM 5 WITHOUT ANOSMIA; CHD7-Related GnRH Deficiency (Kallmann Syndrome 5). Identifiers: Orphanet 478, MedGen C3552553, MONDO:0012880, OMIM 612370. Disease mechanism: loss of function.
CHD7-related disorder. Also called: CHD7-related condition.
Inborn genetic diseases. Identifiers: MedGen C0950123, MeSH D030342.
CHARGE syndrome (CHARGE). Also called: Hittner Hirsch Kreh syndrome; Coloboma, heart anomaly, choanal atresia, retardation, genital and ear anomalies; CHARGE association; Hall-Hittner syndrome; CHARGE ASSOCIATION--COLOBOMA, HEART ANOMALY, CHOANAL ATRESIA, RETARDATION, GENITAL AND EAR ANOMALIES. Identifiers: Orphanet 138, MedGen C0265354, MONDO:0008965.

Allele frequency attached by ClinVar (database versions not stated): ExAC 0.00004; gnomAD exomes 0.00004 and 0.00005; TOPMed 0.00004; gnomAD 0.00005.
gnomAD v4.1: 78 of 1,609,968 alleles (0.0048%); highest among the groups gnomAD compares: Non-Finnish European, 0.0064%; no homozygotes.

Submissions (5):

Labcorp Genetics (formerly Invitae), Labcorp
Classification: Likely benign for CHARGE syndrome. Last evaluated: 2025-04-17. Review status: criteria provided, single submitter. Criteria: Invitae Variant Classification Sherloc (09022015). Collection method: clinical testing. Allele origin: germline.

Blueprint Genetics
Classification: Likely benign. Last evaluated: 2024-11-21. Review status: criteria provided, single submitter. Criteria: ACMG Guidelines, 2015. Collection method: clinical testing. Allele origin: germline.

Ambry Genetics
Classification: Likely benign for Inborn genetic diseases. Last evaluated: 2019-01-14. Review status: criteria provided, single submitter. Criteria: Ambry Variant Classification Scheme 2023. Collection method: clinical testing. Allele origin: germline.

Illumina Laboratory Services, Illumina
Classification: Uncertain significance for Kallmann Syndrome 5. Last evaluated: 2018-01-12. Review status: criteria provided, single submitter. Criteria: ICSL Variant Classification Criteria 13 December 2019. Collection method: clinical testing. Allele origin: germline.

PreventionGenetics, part of Exact Sciences
Classification: Likely benign for CHD7-related condition. Last evaluated: 2022-11-07. Review status: no assertion criteria provided. Collection method: clinical testing. Allele origin: germline. Not counted in ClinVar's aggregate classification.
Comment: This variant is classified as likely benign based on ACMG/AMP sequence variant interpretation guidelines (Richards et al. 2015 PMID: 25741868, with internal and published modifications).

NM_017780.4(CHD7):c.7086C>T (p.Ser2362=)

Gene: CHD7 (chromodomain helicase DNA binding protein 7; plus strand). Cytogenetic location: 8q12.2.
Variant type: single nucleotide variant.
Coding change: c.7086C>T on transcript NM_017780.4 (MANE Select); coding-DNA position 7086, C replaced by T.
Protein change: p.Ser2362=; no amino-acid change (serine 2362 retained).
Molecular consequence: synonymous variant. On other transcripts: intron variant (1).
Genome position (GRCh38, 1-based): chr8:60,856,124, C>T. VCF-style: chr8-60856124-C-T. GRCh37 (hg19) VCF-style: chr8-61768683-C-T.
Other names: c.1717-6105C>T (NM_001316690.1).
Identifiers: ClinVar variation 529150 (VCV000529150.19), dbSNP rs757280832, ClinGen allele CA4760732.